The following is an entry in ClinVar:

ClinVar aggregate classification (germline): Uncertain significance (1 of 4 stars; one submission).

Submission:

Labcorp Genetics (formerly Invitae), Labcorp
Classification: Uncertain significance. Last evaluated: 2026-01-14. Review status: criteria provided, single submitter. Criteria: Invitae Variant Classification Sherloc (09022015). Collection method: clinical testing. Allele origin: germline.
Comment: This sequence change replaces glycine, which is neutral and non-polar, with serine, which is neutral and polar, at codon 605 of the COL9A3 protein (p.Gly605Ser). This variant is not present in population databases (gnomAD no frequency). This variant has not been reported in the literature in individuals affected with COL9A3-related conditions. Invitae Evidence Modeling of protein sequence and biophysical properties (such as structural, functional, and spatial information, amino acid conservation, physicochemical variation, residue mobility, and thermodynamic stability) indicates that this missense variant is expected to disrupt COL9A3 protein function with a positive predictive value of 95%. In summary, the available evidence is currently insufficient to determine the role of this variant in disease. Therefore, it has been classified as a Variant of Uncertain Significance.

NM_001853.4(COL9A3):c.1813G>A (p.Gly605Ser)

Gene: COL9A3 (collagen type IX alpha 3 chain; plus strand). Cytogenetic location: 20q13.33.
Variant type: single nucleotide variant.
Coding change: c.1813G>A on transcript NM_001853.4 (MANE Select); coding-DNA position 1813, G replaced by A.
Protein change: p.Gly605Ser; replaces glycine 605 with serine.
Molecular consequence: missense variant.
Genome position (GRCh38, 1-based): chr20:62,838,710, G>A. VCF-style: chr20-62838710-G-A. GRCh37 (hg19) VCF-style: chr20-61470062-G-A.
Other names: short protein forms G605S.
Identifiers: ClinVar variation 4803150 (VCV004803150.1).
Genomic context (GRCh38, chr20:62,838,710, plus strand): 5'-CTAACCATATGTCTGTGTCCACACCTCGTGACAGGAAACCAGGGTGACAGAGGAGACAAA[G>A]GCGCGGCAGGAGCAGGGCTGGACGGGCCTGAAGGAGACCAGGGGCCCCAAGGTACGAGTC-3'
Protein context (NP_001844.3, residues 595-615): RGNQGDRGDK[Gly605Ser]AAGAGLDGPE